The following is an entry in ClinVar:

ClinVar aggregate classification (germline): Uncertain significance (1 of 4 stars; one submission).

gnomAD v4.1: 1 of 1,613,854 alleles (0.000062%); highest among the groups gnomAD compares: Non-Finnish European, 0.000085%; no homozygotes.

Submission:

CeGaT Center for Human Genetics Tuebingen
Classification: Uncertain significance. Last evaluated: 2026-07-01. Review status: criteria provided, single submitter. Criteria: CeGaT Center For Human Genetics Tuebingen Variant Classification Criteria Version 2. Collection method: clinical testing. Allele origin: germline. Affected: yes. Observed: 1 variant allele.
Comment: POLRMT: PM2, BP4

NM_005035.4(POLRMT):c.292G>C (p.Asp98His)

Gene: POLRMT (RNA polymerase mitochondrial; minus strand). Cytogenetic location: 19p13.3.
Variant type: single nucleotide variant.
Coding change: c.292G>C on transcript NM_005035.4 (MANE Select); coding-DNA position 292, G replaced by C.
Protein change: p.Asp98His; replaces aspartic acid 98 with histidine.
Molecular consequence: missense variant. On other transcripts: 5 prime UTR variant (5), non-coding transcript variant (1).
Genome position (GRCh38, 1-based): chr19:630,070, C>G on the plus strand (G>C on the coding strand, the complement: POLRMT is on the minus strand). VCF-style: chr19-630070-C-G. GRCh37 (hg19) VCF-style: chr19-630070-C-G.
Other names: c.292G>C, p.Asp98His (NM_001407812.1, NM_001407813.1, NM_001407814.1 and 12 more transcripts); c.-33G>C (NM_001407831.1, NM_001407833.1, NM_001407834.1 and 2 more transcripts); short protein forms D98H.
Identifiers: ClinVar variation 4873240 (VCV004873240.2).